The following is an entry in ClinVar:

ClinVar aggregate classification (germline): Uncertain significance (1 of 4 stars; one submission).

Conditions:
Skraban-Deardorff syndrome. Also called: INTELLECTUAL DISABILITY WITH SEIZURES, ABNORMAL GAIT, AND DISTINCTIVE FACIAL FEATURES; WDR26-Related Intellectual Disability. Identifiers: Orphanet 513456, MedGen C4539927, MONDO:0054636, OMIM 617616.

Submission:

Baylor Genetics
Classification: Uncertain significance for Skraban-Deardorff syndrome. Last evaluated: 2019-12-13. Review status: criteria provided, single submitter. Criteria: ACMG Guidelines, 2015. Collection method: clinical testing. Allele origin: unknown. Affected: yes.
Comment: This variant was determined to be of uncertain significance according to ACMG Guidelines, 2015 [PMID:25741868].

NM_001379403.1(WDR26):c.1045C>T (p.Arg349Cys)

Gene: WDR26 (WD repeat domain 26; minus strand). Cytogenetic location: 1q42.12.
Variant type: single nucleotide variant.
Coding change: c.1045C>T on transcript NM_001379403.1 (MANE Select); coding-DNA position 1045, C replaced by T.
Protein change: p.Arg349Cys; replaces arginine 349 with cysteine.
Molecular consequence: missense variant.
Genome position (GRCh38, 1-based): chr1:224,424,537, G>A on the plus strand (C>T on the coding strand, the complement: WDR26 is on the minus strand). VCF-style: chr1-224424537-G-A. GRCh37 (hg19) VCF-style: chr1-224612239-G-A.
Other names: c.697C>T, p.Arg233Cys (NM_001115113.3); c.745C>T, p.Arg249Cys (NM_025160.7); short protein forms R233C, R349C, R249C.
Identifiers: ClinVar variation 1030911 (VCV001030911.1), dbSNP rs1674157422, ClinGen allele CA344750986.